The following is an entry in ClinVar:

ClinVar aggregate classification (germline): Uncertain significance (1 of 4 stars; one submission).

Conditions:
Hereditary cancer-predisposing syndrome. Also called: Hereditary Cancer Syndrome; Hereditary neoplastic syndrome; Neoplastic Syndromes, Hereditary; Tumor predisposition. Identifiers: Orphanet 140162, MedGen C0027672, MeSH D009386, MONDO:0015356.

Allele frequency attached by ClinVar (database versions not stated): gnomAD exomes below 0.00001.
gnomAD v4.1: 1 of 1,614,036 alleles (0.000062%); highest among the groups gnomAD compares: Non-Finnish European, 0.000085%; no homozygotes.

Submission:

Ambry Genetics
Classification: Uncertain significance for Hereditary cancer-predisposing syndrome. Last evaluated: 2020-06-18. Review status: criteria provided, single submitter. Criteria: Ambry Variant Classification Scheme 2023. Collection method: clinical testing. Allele origin: germline.
Comment: The p.D394N variant (also known as c.1180G>A), located in coding exon 9 of the SDHA gene, results from a G to A substitution at nucleotide position 1180. The aspartic acid at codon 394 is replaced by asparagine, an amino acid with highly similar properties. This amino acid position is highly conserved in available vertebrate species. In addition, this alteration is predicted to be tolerated by in silico analysis. Since supporting evidence is limited at this time, the clinical significance of this alteration remains unclear.

Literature cited by the submitters: PubMed 32326906.

NM_004168.4(SDHA):c.1180G>A (p.Asp394Asn)

Gene: SDHA (succinate dehydrogenase complex flavoprotein subunit A; plus strand). Cytogenetic location: 5p15.33.
Variant type: single nucleotide variant.
Coding change: c.1180G>A on transcript NM_004168.4 (MANE Select); coding-DNA position 1180, G replaced by A.
Protein change: p.Asp394Asn; replaces aspartic acid 394 with asparagine.
Molecular consequence: missense variant.
Genome position (GRCh38, 1-based): chr5:235,259, G>A. VCF-style: chr5-235259-G-A. GRCh37 (hg19) VCF-style: chr5-235374-G-A.
Other names: c.1036G>A, p.Asp346Asn (NM_001294332.2); c.1180G>A, p.Asp394Asn (NM_001330758.2); short protein forms D346N, D394N.
Identifiers: ClinVar variation 1742170 (VCV001742170.2), dbSNP rs2477364053, ClinGen allele CA359013613.
Genomic context (GRCh38, chr5:235,259, plus strand): 5'-GAGCAGCTGGCCACGCGCCTGCCTGGCATTTCAGAGACAGCCATGATCTTCGCTGGCGTG[G>A]ACGTCACGAAGGAGCCGATCCCTGTCCTCCCCACCGTGCATTATAACATGGGCGGCATTC-3'
Protein context (NP_004159.2, residues 384-404): SETAMIFAGV[Asp394Asn]VTKEPIPVLP